The following is an entry in ClinVar:

ClinVar aggregate classification (germline): Likely benign (0 of 4 stars; one submission).

Conditions:
ABCA7-related disorder. Also called: ABCA7-related condition.

Allele frequency attached by ClinVar (database versions not stated): gnomAD 0.00001; TOPMed 0.00001; ExAC 0.00002.
gnomAD v4.1: 23 of 1,606,606 alleles (0.0014%); highest among the groups gnomAD compares: Middle Eastern, 0.017%; no homozygotes.

Submission:

PreventionGenetics, part of Exact Sciences
Classification: Likely benign for ABCA7-related condition. Last evaluated: 2023-12-06. Review status: no assertion criteria provided. Collection method: clinical testing. Allele origin: germline.
Comment: This variant is classified as likely benign based on ACMG/AMP sequence variant interpretation guidelines (Richards et al. 2015 PMID: 25741868, with internal and published modifications).

NM_019112.4(ABCA7):c.5523G>A (p.Thr1841=)

Gene: ABCA7 (ATP binding cassette subfamily A member 7; plus strand). Cytogenetic location: 19p13.3.
Variant type: single nucleotide variant.
Coding change: c.5523G>A on transcript NM_019112.4 (MANE Select); coding-DNA position 5523, G replaced by A.
Protein change: p.Thr1841=; no amino-acid change (threonine 1841 retained).
Molecular consequence: synonymous variant.
Genome position (GRCh38, 1-based): chr19:1,061,841, G>A. VCF-style: chr19-1061841-G-A. GRCh37 (hg19) VCF-style: chr19-1061840-G-A.
Identifiers: ClinVar variation 3032433 (VCV003032433.2), dbSNP rs767411564, ClinGen allele CA9034869.
Genomic context (GRCh38, chr19:1,061,841, plus strand): 5'-GTGTTTTGGGCTGCTGGGTGTGAATGGAGCAGGGAAGACGTCCACGTTTCGCATGGTGAC[G>A]GGGGACACATTGGCCAGCAGGGGCGAGGCTGTGCTGGCAGGCCACAGGTGAGGGGTGCCA-3'
Protein context (NP_061985.2, residues 1831-1851): AGKTSTFRMV[Thr1841=]GDTLASRGEA